The following is an entry in ClinVar:

NM_012281.3(KCND2):c.1041G>A (p.Lys347=)

Gene: KCND2 (potassium voltage-gated channel subfamily D member 2; plus strand). Cytogenetic location: 7q31.31.
Variant type: single nucleotide variant.
Coding change: c.1041G>A on transcript NM_012281.3 (MANE Select); coding-DNA position 1041, G replaced by A.
Protein change: p.Lys347=; no amino-acid change (lysine 347 retained).
Molecular consequence: synonymous variant.
Genome position (GRCh38, 1-based): chr7:120,275,673, G>A. VCF-style: chr7-120275673-G-A. GRCh37 (hg19) VCF-style: chr7-119915727-G-A.
Identifiers: ClinVar variation 3771397 (VCV003771397.13).

ClinVar aggregate classification (germline): Likely benign (1 of 4 stars; one submission).

gnomAD v4.1: 11 of 1,603,210 alleles (0.00069%); highest among the groups gnomAD compares: South Asian, 0.0044%; no homozygotes.

Submission:

CeGaT Center for Human Genetics Tuebingen
Classification: Likely benign. Last evaluated: 2025-02-01. Review status: criteria provided, single submitter. Criteria: CeGaT Center For Human Genetics Tuebingen Variant Classification Criteria Version 2. Collection method: clinical testing. Allele origin: germline. Affected: yes. Observed: 1 variant allele.
Comment: KCND2: BP4, BP7